The following is an entry in ClinVar:

ClinVar aggregate classification (germline): Uncertain significance (1 of 4 stars; one submission).

Allele frequency attached by ClinVar (database versions not stated): gnomAD exomes below 0.00001; TOPMed below 0.00001; ExAC 0.00001; gnomAD 0.00001.
gnomAD v4.1: 2 of 1,609,990 alleles (0.00012%); highest among the groups gnomAD compares: East Asian, 0.0022%; no homozygotes.

Submission:

Labcorp Genetics (formerly Invitae), Labcorp
Classification: Uncertain significance. Last evaluated: 2025-12-15. Review status: criteria provided, single submitter. Criteria: Invitae Variant Classification Sherloc (09022015). Collection method: clinical testing. Allele origin: germline.
Comment: This sequence change replaces proline, which is neutral and non-polar, with leucine, which is neutral and non-polar, at codon 193 of the ADGRV1 protein (p.Pro193Leu). This variant is present in population databases (rs772293155, gnomAD 0.0009%). This variant has not been reported in the literature in individuals affected with ADGRV1-related conditions. ClinVar contains an entry for this variant (Variation ID: 953869). Invitae Evidence Modeling of protein sequence and biophysical properties (such as structural, functional, and spatial information, amino acid conservation, physicochemical variation, residue mobility, and thermodynamic stability) indicates that this missense variant is not expected to disrupt ADGRV1 protein function with a negative predictive value of 95%. In summary, the available evidence is currently insufficient to determine the role of this variant in disease. Therefore, it has been classified as a Variant of Uncertain Significance.

NM_032119.4(ADGRV1):c.578C>T (p.Pro193Leu)

Gene: ADGRV1 (adhesion G protein-coupled receptor V1; plus strand). Cytogenetic location: 5q14.3.
Variant type: single nucleotide variant.
Coding change: c.578C>T on transcript NM_032119.4 (MANE Select); coding-DNA position 578, C replaced by T.
Protein change: p.Pro193Leu; replaces proline 193 with leucine.
Molecular consequence: missense variant. On other transcripts: non-coding transcript variant (1).
Genome position (GRCh38, 1-based): chr5:90,625,149, C>T. VCF-style: chr5-90625149-C-T. GRCh37 (hg19) VCF-style: chr5-89920966-C-T.
Other names: short protein forms P193L.
Identifiers: ClinVar variation 953869 (VCV000953869.9), dbSNP rs772293155, ClinGen allele CA3338510.